The following is an entry in ClinVar:

ClinVar aggregate classification (germline): Uncertain significance (1 of 4 stars; one submission).

Allele frequency attached by ClinVar (database versions not stated): gnomAD exomes 0.00001; TOPMed below 0.00001.
gnomAD v4.1: 8 of 1,613,932 alleles (0.0005%); highest among the groups gnomAD compares: Non-Finnish European, 0.00068%; no homozygotes.

Submission:

Labcorp Genetics (formerly Invitae), Labcorp
Classification: Uncertain significance. Last evaluated: 2025-09-29. Review status: criteria provided, single submitter. Criteria: Invitae Variant Classification Sherloc (09022015). Collection method: clinical testing. Allele origin: germline.
Comment: This sequence change replaces aspartic acid, which is acidic and polar, with glutamic acid, which is acidic and polar, at codon 637 of the DCHS1 protein (p.Asp637Glu). This variant is not present in population databases (gnomAD no frequency). This variant has not been reported in the literature in individuals affected with DCHS1-related conditions. ClinVar contains an entry for this variant (Variation ID: 2802638). Invitae Evidence Modeling of protein sequence and biophysical properties (such as structural, functional, and spatial information, amino acid conservation, physicochemical variation, residue mobility, and thermodynamic stability) indicates that this missense variant is not expected to disrupt DCHS1 protein function with a negative predictive value of 80%. In summary, the available evidence is currently insufficient to determine the role of this variant in disease. Therefore, it has been classified as a Variant of Uncertain Significance.

NM_003737.4(DCHS1):c.1911T>A (p.Asp637Glu)

Gene: DCHS1 (dachsous cadherin-related 1; minus strand). Cytogenetic location: 11p15.4.
Variant type: single nucleotide variant.
Coding change: c.1911T>A on transcript NM_003737.4 (MANE Select); coding-DNA position 1911, T replaced by A.
Protein change: p.Asp637Glu; replaces aspartic acid 637 with glutamic acid.
Molecular consequence: missense variant.
Genome position (GRCh38, 1-based): chr11:6,634,193, A>T on the plus strand (T>A on the coding strand, the complement: DCHS1 is on the minus strand). VCF-style: chr11-6634193-A-T. GRCh37 (hg19) VCF-style: chr11-6655424-A-T.
Other names: short protein forms D637E.
Identifiers: ClinVar variation 2802638 (VCV002802638.3), dbSNP rs1383520627, ClinGen allele CA379425706.
Genomic context (GRCh38, chr11:6,634,193, plus strand): 5'-CACTGTGAAGTCAAAGCTTGAGGGCCCCTGGTCACGGTCCAGGGTCCGGGTTGTGCACAC[A>T]TCACCGCTGTGGGCATCAATGCGGAATGGGGGAGATCCGGAGGACCCAAGTCCAGCACCC-3'
Protein context (NP_003728.1, residues 627-647): PPFRIDAHSG[Asp637Glu]VCTTRTLDRD